The following is an entry in ClinVar:

ClinVar aggregate classification (germline): Likely pathogenic (1 of 4 stars; one submission).

Conditions:
Leukoencephalopathy, progressive, with ovarian failure (LKENP). Identifiers: Orphanet 99853, MedGen C4014588, MONDO:0014387, OMIM 615889.

Submission:

Institute of Human Genetics, University of Leipzig Medical Center
Classification: Likely pathogenic for Leukoencephalopathy, progressive, with ovarian failure. Last evaluated: 2022-09-14. Review status: criteria provided, single submitter. Criteria: ACMG Guidelines, 2015. Collection method: clinical testing. Allele origin: maternal. Inheritance: Autosomal recessive inheritance. Affected: yes.
Comment: Criteria applied: PVS1,PM2_SUP

NM_020745.4(AARS2):c.1695C>G (p.Tyr565Ter)

Gene: AARS2 (alanyl-tRNA synthetase 2, mitochondrial; minus strand). Cytogenetic location: 6p21.1.
Variant type: single nucleotide variant.
Coding change: c.1695C>G on transcript NM_020745.4 (MANE Select); coding-DNA position 1695, C replaced by G.
Protein change: p.Tyr565Ter; replaces tyrosine 565 with a stop codon.
Molecular consequence: nonsense.
Genome position (GRCh38, 1-based): chr6:44,304,702, G>C on the plus strand (C>G on the coding strand, the complement: AARS2 is on the minus strand). VCF-style: chr6-44304702-G-C. GRCh37 (hg19) VCF-style: chr6-44272439-G-C.
Other names: short protein forms Y565*.
Identifiers: ClinVar variation 1707535 (VCV001707535.2), dbSNP rs774607571, ClinGen allele CA364338473.